The following is an entry in ClinVar:

ClinVar aggregate classification (germline): Uncertain significance. Review status: criteria provided, multiple submitters, no conflicts (2 of 4 stars). 2 submissions from 2 submitters: Uncertain significance (2). Last evaluated 2022-02-10.

Conditions:
Charcot-Marie-Tooth disease type 4. Also called: Charcot-Marie-Tooth disease, type IV; Charcot-Marie-Tooth, Type 4. Identifiers: Orphanet 64749, MedGen C4082197, MONDO:0018995.

Allele frequency attached by ClinVar (database versions not stated): gnomAD 0.00004; ESP Exome Variant Server 0.00008.
gnomAD v4.1: 84 of 1,587,224 alleles (0.0053%); highest among the groups gnomAD compares: Admixed American, 0.007%; no homozygotes.

Submissions (2):

Labcorp Genetics (formerly Invitae), Labcorp
Classification: Uncertain significance for Charcot-Marie-Tooth disease type 4. Last evaluated: 2022-02-10. Review status: criteria provided, single submitter. Criteria: Invitae Variant Classification Sherloc (09022015). Collection method: clinical testing. Allele origin: germline.
Comment: This sequence change falls in intron 4 of the FIG4 gene. It does not directly change the encoded amino acid sequence of the FIG4 protein. It affects a nucleotide within the consensus splice site. This variant is present in population databases (rs370857139, gnomAD 0.006%). This variant has been observed in individual(s) with Charcot-Marie-Tooth disease (PMID: 32376792). ClinVar contains an entry for this variant (Variation ID: 958570). Variants that disrupt the consensus splice site are a relatively common cause of aberrant splicing (PMID: 17576681, 9536098). Algorithms developed to predict the effect of sequence changes on RNA splicing suggest that this variant may disrupt the consensus splice site. In summary, the available evidence is currently insufficient to determine the role of this variant in disease. Therefore, it has been classified as a Variant of Uncertain Significance.

Blueprint Genetics
Classification: Uncertain significance. Last evaluated: 2021-10-19. Review status: criteria provided, single submitter. Criteria: ACMG Guidelines, 2015. Collection method: clinical testing. Allele origin: germline.

Literature cited by the submitters: PubMed 32376792 (cited by Labcorp Genetics (formerly Invitae), Labcorp); PubMed 17576681 (cited by Labcorp Genetics (formerly Invitae), Labcorp); PubMed 9536098 (cited by Labcorp Genetics (formerly Invitae), Labcorp).

NM_014845.6(FIG4):c.446+5G>C

Gene: FIG4 (FIG4 phosphoinositide 5-phosphatase; plus strand). Cytogenetic location: 6q21.
Variant type: single nucleotide variant.
Coding change: c.446+5G>C on transcript NM_014845.6 (MANE Select); 5 bases into the intron after coding-DNA position 446, G replaced by C.
Molecular consequence: intron variant.
Genome position (GRCh38, 1-based): chr6:109,727,270, G>C. VCF-style: chr6-109727270-G-C. GRCh37 (hg19) VCF-style: chr6-110048473-G-C.
Identifiers: ClinVar variation 958570 (VCV000958570.6), dbSNP rs370857139, ClinGen allele CA145127570.